The following is an entry in ClinVar:

ClinVar aggregate classification (germline): Pathogenic (1 of 4 stars; one submission).

Conditions:
Hypertrophic cardiomyopathy. Also called: HYPERTROPHIC MYOCARDIOPATHY. Identifiers: Orphanet 217569, MedGen C0007194, MeSH D002312, MONDO:0005045, HP:0001639.

Submission:

Labcorp Genetics (formerly Invitae), Labcorp
Classification: Pathogenic for Hypertrophic cardiomyopathy. Last evaluated: 2021-10-19. Review status: criteria provided, single submitter. Criteria: Invitae Variant Classification Sherloc (09022015). Collection method: clinical testing. Allele origin: germline.
Comment: For these reasons, this variant has been classified as Pathogenic. This variant has not been reported in the literature in individuals affected with MYBPC3-related conditions. This variant is a gross deletion of the genomic region encompassing exon(s) 1-5 of the MYBPC3 gene, which includes the initiator codon. This deletion extends beyond the assayed region for this gene and therefore may encompass additional genes. It is expected to result in an absent or disrupted protein product. Loss-of-function variants in MYBPC3 are known to be pathogenic (PMID: 19574547).

Literature cited by the submitters: PubMed 19574547.

NC_000011.9:g.(?_47371305)_(47374198_?)del

Gene: MYBPC3 (myosin binding protein C3; minus strand). Cytogenetic location: 11p11.2.
Variant type: Deletion.
Identifiers: ClinVar variation 1452187 (VCV001452187.4).